The following is an entry in ClinVar:

NM_006892.4(DNMT3B):c.1195C>T (p.Leu399Phe)

Gene: DNMT3B (DNA methyltransferase 3 beta; plus strand). Cytogenetic location: 20q11.21.
Variant type: single nucleotide variant.
Coding change: c.1195C>T on transcript NM_006892.4 (MANE Select); coding-DNA position 1195, C replaced by T.
Protein change: p.Leu399Phe; replaces leucine 399 with phenylalanine.
Molecular consequence: missense variant.
Genome position (GRCh38, 1-based): chr20:32,795,477, C>T. VCF-style: chr20-32795477-C-T. GRCh37 (hg19) VCF-style: chr20-31383283-C-T.
Other names: c.1009C>T, p.Leu337Phe (NM_001207055.2); c.907C>T, p.Leu303Phe (NM_001207056.2); c.1135C>T, p.Leu379Phe (NM_175848.2, NM_175849.2); c.1171C>T, p.Leu391Phe (NM_175850.3); c.1195C>T (NM_006892.3); short protein forms L391F, L379F, L337F, L303F, L399F.
Identifiers: ClinVar variation 1427366 (VCV001427366.7), dbSNP rs373908368, ClinGen allele CA9810460.
Genomic context (GRCh38, chr20:32,795,477, plus strand): 5'-ACTCGAAGACGCACAGCTGACGACTCAGCCACCTCTGACTACTGCCCCGCACCCAAGCGC[C>T]TCAAGACAAATTGCTATAACAACGGCAAAGACCGAGGGGATGAAGATCAGAGCCGAGGTG-3'
Protein context (NP_008823.1, residues 389-409): TSDYCPAPKR[Leu399Phe]KTNCYNNGKD

ClinVar aggregate classification (germline): Uncertain significance. Review status: criteria provided, multiple submitters, no conflicts (2 of 4 stars). 2 submissions from 2 submitters: Uncertain significance (2). Last evaluated 2025-06-06.

Conditions:
Centromeric instability of chromosomes 1,9 and 16 and immunodeficiency (ICF1). Also called: Immunodeficiency-centromeric instability-facial anomalies; CENTROMERIC INSTABILITY, IMMUNODEFICIENCY SYNDROME; IMMUNE DEFICIENCY, VARIABLE, WITH CENTROMERIC INSTABILITY OF CHROMOSOMES 1, 9, AND 16; IMMUNODEFICIENCY SYNDROME, VARIABLE. Identifiers: Orphanet 2268, MedGen C0398788, MONDO:0000133.
Inborn genetic diseases. Identifiers: MedGen C0950123, MeSH D030342.

Allele frequency attached by ClinVar (database versions not stated): gnomAD exomes 0.00002 and 0.00003; TOPMed 0.00002; gnomAD 0.00003; ExAC 0.00005; ESP Exome Variant Server 0.00008.

Submissions (2):

Ambry Genetics
Classification: Uncertain significance for Inborn genetic diseases. Last evaluated: 2025-06-06. Review status: criteria provided, single submitter. Criteria: Ambry Variant Classification Scheme 2023. Collection method: clinical testing. Allele origin: germline.

Labcorp Genetics (formerly Invitae), Labcorp
Classification: Uncertain significance for Centromeric instability of chromosomes 1,9 and 16 and immunodeficiency. Last evaluated: 2024-10-24. Review status: criteria provided, single submitter. Criteria: Invitae Variant Classification Sherloc (09022015). Collection method: clinical testing. Allele origin: germline.
Comment: This sequence change replaces leucine, which is neutral and non-polar, with phenylalanine, which is neutral and non-polar, at codon 399 of the DNMT3B protein (p.Leu399Phe). This variant is present in population databases (rs373908368, gnomAD 0.009%). This variant has not been reported in the literature in individuals affected with DNMT3B-related conditions. ClinVar contains an entry for this variant (Variation ID: 1427366). Invitae Evidence Modeling of protein sequence and biophysical properties (such as structural, functional, and spatial information, amino acid conservation, physicochemical variation, residue mobility, and thermodynamic stability) has been performed for this missense variant. However, the output from this modeling did not meet the statistical confidence thresholds required to predict the impact of this variant on DNMT3B protein function. In summary, the available evidence is currently insufficient to determine the role of this variant in disease. Therefore, it has been classified as a Variant of Uncertain Significance.